The following is an entry in ClinVar:

NM_018699.4(PRDM5):c.1847A>G (p.Tyr616Cys)

Gene: PRDM5 (PR/SET domain 5; minus strand). Cytogenetic location: 4q27.
Variant type: single nucleotide variant.
Coding change: c.1847A>G on transcript NM_018699.4 (MANE Select); coding-DNA position 1847, A replaced by G.
Protein change: p.Tyr616Cys; replaces tyrosine 616 with cysteine.
Molecular consequence: missense variant. On other transcripts: 3 prime UTR variant (1).
Genome position (GRCh38, 1-based): chr4:120,695,157, T>C on the plus strand (A>G on the coding strand, the complement: PRDM5 is on the minus strand). VCF-style: chr4-120695157-T-C. GRCh37 (hg19) VCF-style: chr4-121616312-T-C.
Other names: c.1754A>G, p.Tyr585Cys (NM_001300823.2); c.*162A>G (NM_001300824.2); c.1880A>G, p.Tyr627Cys (NM_001379104.1); c.1649A>G, p.Tyr550Cys (NM_001379106.1); short protein forms Y550C, Y585C, Y616C, Y627C.
Identifiers: ClinVar variation 1315637 (VCV001315637.4), dbSNP rs928901991, ClinGen allele CA105108085.

ClinVar aggregate classification (germline): Uncertain significance. Review status: criteria provided, multiple submitters, no conflicts (2 of 4 stars). 3 submissions from 3 submitters: Uncertain significance (3). Last evaluated 2025-05-14.

Conditions:
Cardiovascular phenotype. Identifiers: MedGen CN230736.

Allele frequency attached by ClinVar (database versions not stated): gnomAD exomes below 0.00001; gnomAD 0.00001; TOPMed 0.00001.
gnomAD v4.1: 5 of 1,613,418 alleles (0.00031%); highest among the groups gnomAD compares: Non-Finnish European, 0.00042%; no homozygotes.

Submissions (3):

Women's Health and Genetics/Laboratory Corporation of America, LabCorp
Classification: Uncertain significance. Last evaluated: 2025-05-14. Review status: criteria provided, single submitter. Criteria: LabCorp Variant Classification Summary - May 2015. Collection method: clinical testing. Allele origin: germline.
Comment: Variant summary: PRDM5 c.1847A>G (p.Tyr616Cys) results in a non-conservative amino acid change in the encoded protein sequence. Algorithms developed to predict the effect of missense changes on protein structure and function are either unavailable or do not agree on the potential impact of this missense change. The variant was absent in 251010 control chromosomes. The available data on variant occurrences in the general population are insufficient to allow any conclusion about variant significance. To our knowledge, no occurrence of c.1847A>G in individuals affected with Brittle cornea syndrome 2 and no experimental evidence demonstrating its impact on protein function have been reported. ClinVar contains an entry for this variant (Variation ID: 1315637). Based on the evidence outlined above, the variant was classified as uncertain significance.

Ambry Genetics
Classification: Uncertain significance for Cardiovascular phenotype. Last evaluated: 2024-05-30. Review status: criteria provided, single submitter. Criteria: Ambry Variant Classification Scheme 2023. Collection method: clinical testing. Allele origin: germline.
Comment: The p.Y616C variant (also known as c.1847A>G), located in coding exon 16 of the PRDM5 gene, results from an A to G substitution at nucleotide position 1847. The tyrosine at codon 616 is replaced by cysteine, an amino acid with highly dissimilar properties. This amino acid position is conserved. In addition, the in silico prediction for this alteration is inconclusive. Based on the available evidence, the clinical significance of this variant remains unclear.

GeneDx
Classification: Uncertain significance. Last evaluated: 2019-06-14. Review status: criteria provided, single submitter. Criteria: GeneDx Variant Classification Process June 2021. Collection method: clinical testing. Allele origin: germline. Affected: yes.
Comment: Has not been previously published as pathogenic or benign to our knowledge; Not observed in large population cohorts (Lek et al., 2016); In silico analysis, which includes protein predictors and evolutionary conservation, supports a deleterious effect